The following is an entry in ClinVar:

NM_014391.3(ANKRD1):c.313C>T (p.Pro105Ser)

Gene: ANKRD1 (ankyrin repeat domain 1; minus strand). Cytogenetic location: 10q23.31.
Variant type: single nucleotide variant.
Coding change: c.313C>T on transcript NM_014391.3 (MANE Select); coding-DNA position 313, C replaced by T.
Protein change: p.Pro105Ser; replaces proline 105 with serine.
Molecular consequence: missense variant.
Genome position (GRCh38, 1-based): chr10:90,919,163, G>A on the plus strand (C>T on the coding strand, the complement: ANKRD1 is on the minus strand). VCF-style: chr10-90919163-G-A. GRCh37 (hg19) VCF-style: chr10-92678920-G-A.
Other names: short protein forms P105S.
Identifiers: ClinVar variation 192112 (VCV000192112.29), dbSNP rs148189486, ClinGen allele CA249989.
Genomic context (GRCh38, chr10:90,919,163, plus strand): 5'-TACTGGAAACCAAAAAAAAAGCCCTTACAATGATTTCAGGTTCTGGTTCCTTTACAACTG[G>A]AACTTTAGTTTTCCTGTATTTTTTCCTTTTCTTCAGTTGAATGATTATTTCAAGGTCTTC-3'
Protein context (NP_055206.2, residues 95-115): KRKKYRKTKV[Pro105Ser]VVKEPEPEII

ClinVar aggregate classification (germline): Conflicting classifications of pathogenicity. Review status: criteria provided, conflicting classifications (1 of 4 stars). 7 submissions from 7 submitters: Uncertain significance (6); Likely benign (1). Last evaluated 2026-09-28.

Conditions:
ANKRD1-related disorder. Also called: ANKRD1-related condition.
Cardiovascular phenotype. Identifiers: MedGen CN230736.
Primary dilated cardiomyopathy (DCM). Also called: Dilated Cardiomyopathy. Identifiers: Orphanet 217604, MedGen C0007193, MeSH D002311, MONDO:0005021, HP:0001644. Inheritance: Various modes of inheritance.
ANKRD1-related dilated cardiomyopathy. Identifiers: MedGen CN119551.

Allele frequency attached by ClinVar (database versions not stated): gnomAD exomes 0.00034 and 0.00016; gnomAD 0.00035 and 0.00037; ExAC 0.00023; ESP Exome Variant Server 0.00031; TOPMed 0.00031.
gnomAD v4.1: 558 of 1,612,126 alleles (0.035%); highest among the groups gnomAD compares: Non-Finnish European, 0.044%; no homozygotes.

Submissions (7):

GeneDx
Classification: Uncertain significance. Last evaluated: 2026-09-28. Review status: criteria provided, single submitter. Criteria: GeneDx Variant Classification Process June 2021. Collection method: clinical testing. Allele origin: germline.
Comment: Identified in patients with cardiomyopathy in published literature (PMID: 19608030, 30847666); Reported in one individual from a cohort of individuals not selected for cardiomyopathy, arrhythmia, or family history of sudden cardiac death, who underwent exome sequencing (PMID: 23861362); In silico analysis supports that this missense variant has a deleterious effect on protein structure/function; Variants in candidate genes are classified as variants of uncertain significance in accordance with ACMG guidelines (PMID: 25741868); In silico analysis is inconclusive as to whether the variant alters gene splicing. In the absence of RNA/functional studies, the actual effect of this sequence change is unknown.; This variant is associated with the following publications: (PMID: 23299917, 26187847, 27896284, 28672880, 30659708, 34426522, 30847666, 23861362, 19608030)

PreventionGenetics, part of Exact Sciences
Classification: Uncertain significance for ANKRD1-related condition. Last evaluated: 2026-01-21. Review status: criteria provided, single submitter. Criteria: ACMG Guidelines, 2015. Collection method: clinical testing. Allele origin: germline.
Comment: The ANKRD1 c.313C>T variant is predicted to result in the amino acid substitution p.Pro105Ser. This variant was reported in three individuals with dilated cardiomyopathy or unspecified cardiomyopathy (Moulik et al. 2009. PubMed ID: 19608030; supplementary file 2, van Lint et al. 2019. PubMed ID: 30847666). Functional studies showed that this variant results in altered protein-protein interactions and differential stretch-induced gene expression (Moulik et al. 2009. PubMed ID: 19608030). However, this variant was also documented in general populations and in a cohort not selected for arrhythmia, cardiomyopathy, or a family history of sudden death (Andreasen et al. 2013. PubMed ID: 23299917; Table S3, Ng et al. 2013. PubMed ID: 23861362; Nouhravesh et al. 2016. PubMed ID: 27896284). This variant is reported in 0.032% of alleles in individuals of European (Non-Finnish) descent in gnomAD. At this time, the clinical significance of this variant is uncertain due to the absence of conclusive functional and genetic evidence.

Labcorp Genetics (formerly Invitae), Labcorp
Classification: Uncertain significance for ANKRD1-related dilated cardiomyopathy. Last evaluated: 2026-01-14. Review status: criteria provided, single submitter. Criteria: Invitae Variant Classification Sherloc (09022015). Collection method: clinical testing. Allele origin: germline.
Comment: This sequence change replaces proline, which is neutral and non-polar, with serine, which is neutral and polar, at codon 105 of the ANKRD1 protein (p.Pro105Ser). This variant is present in population databases (rs148189486, gnomAD 0.03%), and has an allele count higher than expected for a pathogenic variant. This missense change has been observed in individual(s) with clinical features of ANKRD1-related conditions (PMID: 19608030, 30847666). ClinVar contains an entry for this variant (Variation ID: 192112). Invitae Evidence Modeling of protein sequence and biophysical properties (such as structural, functional, and spatial information, amino acid conservation, physicochemical variation, residue mobility, and thermodynamic stability) indicates that this missense variant is not expected to disrupt ANKRD1 protein function with a negative predictive value of 80%. Experimental studies have shown that this missense change affects ANKRD1 function (PMID: 19608030). Algorithms developed to predict the effect of sequence changes on RNA splicing suggest that this variant may disrupt the consensus splice site. In summary, the available evidence is currently insufficient to determine the role of this variant in disease. Therefore, it has been classified as a Variant of Uncertain Significance.

Ambry Genetics
Classification: Uncertain significance for Cardiovascular phenotype. Last evaluated: 2025-03-03. Review status: criteria provided, single submitter. Criteria: Ambry Variant Classification Scheme 2023. Collection method: clinical testing. Allele origin: germline.
Comment: The p.P105S variant (also known as c.313C>T), located in coding exon 3 of the ANKRD1 gene, results from a C to T substitution at nucleotide position 313. The proline at codon 105 is replaced by serine, an amino acid with similar properties. This alteration was described in individuals with dilated cardiomyopathy but no segregation information was available (Moulik M et al. J. Am. Coll. Cardiol., 2009 Jul;54:325-33). This alteration has also been seen in exome cohorts, but cardiovascular history was not provided (Andreasen C et al. Eur. J. Hum. Genet., 2013 Sep;21:918-28; Ng D et al. Circ Cardiovasc Genet, 2013 Aug;6:337-46). This alteration was reported to disrupt Talin-1 binding in a yeast two hybrid system. In addition, the same study also found that during mechanical stretch, this alteration would decrease P53 expression while increasing myogenin expression (Moulik M et al. J. Am. Coll. Cardiol., 2009 Jul;54:325-33). This amino acid position is well conserved in available vertebrate species; however, serine is the reference amino acid in another vertebrate species. In addition, the in silico prediction for this alteration is inconclusive. Since supporting evidence is limited at this time, the clinical significance of this alteration remains unclear.

Illumina Laboratory Services, Illumina
Classification: Uncertain significance for Primary dilated cardiomyopathy. Last evaluated: 2017-04-28. Review status: criteria provided, single submitter. Criteria: ICSL Variant Classification Criteria 13 December 2019. Collection method: clinical testing. Allele origin: germline.
Comment: This variant was observed as part of a predisposition screen in an ostensibly healthy population. A literature search was performed for the gene, cDNA change, and amino acid change (where applicable). Publications were found based on this search. However, the evidence from the literature, in combination with allele frequency data from public databases where available, was not sufficient to rule this variant in or out of causing disease. Therefore, this variant is classified as a variant of unknown significance.

Eurofins Ntd Llc (ga)
Classification: Uncertain significance. Last evaluated: 2015-11-04. Review status: criteria provided, single submitter. Criteria: EGL Classification Definitions 2015. Collection method: clinical testing. Allele origin: germline. Observed: 3 variant alleles, 3 heterozygotes.

Biesecker Lab/Clinical Genomics Section, National Institutes of Health
Classification: Likely benign for Cardiomyopathy, dilated. Last evaluated: 2013-06-24. Review status: criteria provided, single submitter. Criteria: Ng et al. (Circ Cardiovasc Genet. 2013). Collection method: research. Allele origin: unknown. Observed: 2 variant alleles. Study: ClinSeq.
Comment: The study set was not selected for affection status in relation to any cancer. Pathogenicity categories were based on literature curation. See Pubmed ID:23861362 for details.

Medical sequencing

Literature cited by the submitters: PubMed 19608030 (cited by 3 submitters); PubMed 30847666 (cited by Labcorp Genetics (formerly Invitae), Labcorp); PubMed 23299917 (cited by Ambry Genetics); PubMed 23861362 (cited by Ambry Genetics).